The following is an entry in ClinVar:

ClinVar aggregate classification (germline): Uncertain significance (1 of 4 stars; one submission).

Submission:

Labcorp Genetics (formerly Invitae), Labcorp
Classification: Uncertain significance. Last evaluated: 2024-12-02. Review status: criteria provided, single submitter. Criteria: Invitae Variant Classification Sherloc (09022015). Collection method: clinical testing. Allele origin: germline.
Comment: This sequence change replaces glutamine, which is neutral and polar, with lysine, which is basic and polar, at codon 186 of the TSEN34 protein (p.Gln186Lys). This variant is not present in population databases (gnomAD no frequency). This variant has not been reported in the literature in individuals affected with TSEN34-related conditions. ClinVar contains an entry for this variant (Variation ID: 2799362). An algorithm developed to predict the effect of missense changes on protein structure and function (PolyPhen-2) suggests that this variant is likely to be disruptive. In summary, the available evidence is currently insufficient to determine the role of this variant in disease. Therefore, it has been classified as a Variant of Uncertain Significance.

NM_001077446.4(TSEN34):c.556C>A (p.Gln186Lys)

Gene: TSEN34 (tRNA splicing endonuclease subunit 34; plus strand). Cytogenetic location: 19q13.42.
Variant type: single nucleotide variant.
Coding change: c.556C>A on transcript NM_001077446.4 (MANE Select); coding-DNA position 556, C replaced by A.
Protein change: p.Gln186Lys; replaces glutamine 186 with lysine.
Molecular consequence: missense variant.
Genome position (GRCh38, 1-based): chr19:54,192,184, C>A. VCF-style: chr19-54192184-C-A. GRCh37 (hg19) VCF-style: chr19-54696035-C-A.
Other names: c.556C>A, p.Gln186Lys (NM_001282332.2, NM_001282333.2, NM_001386740.1 and 1 more transcripts); short protein forms Q186K.
Identifiers: ClinVar variation 2799362 (VCV002799362.3), dbSNP rs2515418616, ClinGen allele CA407763713.